The following is an entry in ClinVar:

NM_018706.7(DHTKD1):c.1938T>A (p.Phe646Leu)

Gene: DHTKD1 (dehydrogenase E1 and transketolase domain containing 1; plus strand). Cytogenetic location: 10p14.
Variant type: single nucleotide variant.
Coding change: c.1938T>A on transcript NM_018706.7 (MANE Select); coding-DNA position 1938, T replaced by A.
Protein change: p.Phe646Leu; replaces phenylalanine 646 with leucine.
Molecular consequence: missense variant.
Genome position (GRCh38, 1-based): chr10:12,106,287, T>A. VCF-style: chr10-12106287-T-A. GRCh37 (hg19) VCF-style: chr10-12148286-T-A.
Other names: short protein forms F646L.
Identifiers: ClinVar variation 2957625 (VCV002957625.3), dbSNP rs1615510, ClinGen allele CA376011156.
Genomic context (GRCh38, chr10:12,106,287, plus strand): 5'-TTCTCTTCTCTGGGATTAGGTCAGCAACAGCCCACTGTCAGAAGAGGCCGTCCTGGGATT[T>A]GAATATGGGATGAGCATTGAGAGCCCAAAGTTACTGCCCCTGTGGGAGGCACAGTTTGGC-3'
Protein context (NP_061176.4, residues 636-656): SPLSEEAVLG[Phe646Leu]EYGMSIESPK

ClinVar aggregate classification (germline): Uncertain significance (1 of 4 stars; one submission).

Conditions:
2-aminoadipic 2-oxoadipic aciduria (AAKAD). Also called: Aminoadipic aciduria; ALPHA-AMINOADIPIC AND ALPHA-KETOADIPIC ACIDURIA. Identifiers: Orphanet 79154, MedGen C1859817, MONDO:0008774, OMIM 204750.

Submission:

Labcorp Genetics (formerly Invitae), Labcorp
Classification: Uncertain significance for 2-aminoadipic 2-oxoadipic aciduria. Last evaluated: 2025-03-23. Review status: criteria provided, single submitter. Criteria: Invitae Variant Classification Sherloc (09022015). Collection method: clinical testing. Allele origin: germline.
Comment: This sequence change replaces phenylalanine, which is neutral and non-polar, with leucine, which is neutral and non-polar, at codon 646 of the DHTKD1 protein (p.Phe646Leu). This variant is present in population databases (no rsID available, gnomAD 0.1%). This variant has not been reported in the literature in individuals affected with DHTKD1-related conditions. Invitae Evidence Modeling of protein sequence and biophysical properties (such as structural, functional, and spatial information, amino acid conservation, physicochemical variation, residue mobility, and thermodynamic stability) indicates that this missense variant is expected to disrupt DHTKD1 protein function with a positive predictive value of 80%. In summary, the available evidence is currently insufficient to determine the role of this variant in disease. Therefore, it has been classified as a Variant of Uncertain Significance.